The following is an entry in ClinVar:

ClinVar aggregate classification (germline): Uncertain significance (1 of 4 stars; one submission).

Conditions:
Deficiency of aromatic-L-amino-acid decarboxylase. Also called: AADC DEFICIENCY; DDC DEFICIENCY; DOPA DECARBOXYLASE DEFICIENCY; Aromatic L-Amino Acid Decarboxylase Deficiency; Aromatic amino acid decarboxylase deficiency. Identifiers: Orphanet 35708, MedGen C1291564, MONDO:0012084, OMIM 608643.

Allele frequency attached by ClinVar (database versions not stated): ExAC 0.00001; gnomAD exomes 0.00001 and 0.00002; gnomAD 0.00004 and 0.00005; TOPMed 0.00004.
gnomAD v4.1: 37 of 1,614,140 alleles (0.0023%); highest among the groups gnomAD compares: Middle Eastern, 0.066%; 1 homozygote.

Submission:

Labcorp Genetics (formerly Invitae), Labcorp
Classification: Uncertain significance for Deficiency of aromatic-L-amino-acid decarboxylase. Last evaluated: 2022-10-25. Review status: criteria provided, single submitter. Criteria: Invitae Variant Classification Sherloc (09022015). Collection method: clinical testing. Allele origin: germline.
Comment: This sequence change replaces proline, which is neutral and non-polar, with leucine, which is neutral and non-polar, at codon 40 of the DDC protein (p.Pro40Leu). This variant is present in population databases (rs778431076, gnomAD 0.003%). This variant has not been reported in the literature in individuals affected with DDC-related conditions. ClinVar contains an entry for this variant (Variation ID: 1038515). Advanced modeling of protein sequence and biophysical properties (such as structural, functional, and spatial information, amino acid conservation, physicochemical variation, residue mobility, and thermodynamic stability) performed at Invitae indicates that this missense variant is not expected to disrupt DDC protein function. In summary, the available evidence is currently insufficient to determine the role of this variant in disease. Therefore, it has been classified as a Variant of Uncertain Significance.

NM_001082971.2(DDC):c.119C>T (p.Pro40Leu)

Gene: DDC (dopa decarboxylase; minus strand). Cytogenetic location: 7p12.1.
Variant type: single nucleotide variant.
Coding change: c.119C>T on transcript NM_001082971.2 (MANE Select); coding-DNA position 119, C replaced by T.
Protein change: p.Pro40Leu; replaces proline 40 with leucine.
Molecular consequence: missense variant.
Genome position (GRCh38, 1-based): chr7:50,543,967, G>A on the plus strand (C>T on the coding strand, the complement: DDC is on the minus strand). VCF-style: chr7-50543967-G-A. GRCh37 (hg19) VCF-style: chr7-50611665-G-A.
Other names: c.119C>T, p.Pro40Leu (NM_000790.4, NM_001242886.2, NM_001242887.2 and 3 more transcripts); short protein forms P40L.
Identifiers: ClinVar variation 1038515 (VCV001038515.4), dbSNP rs778431076, ClinGen allele CA4262495.